The following is an entry in ClinVar:

ClinVar aggregate classification (germline): Likely benign (0 of 4 stars; one submission).

Conditions:
ATXN1-related disorder. Also called: ATXN1-related condition.

Allele frequency attached by ClinVar (database versions not stated): gnomAD 0.00012; 1000 Genomes Project 30x 0.00016; TOPMed 0.00019; 1000 Genomes Project 0.00020; ExAC 0.00027.
gnomAD v4.1: 180 of 1,614,076 alleles (0.011%); highest among the groups gnomAD compares: East Asian, 0.25%; 2 homozygotes.

Submission:

PreventionGenetics, part of Exact Sciences
Classification: Likely benign for ATXN1-related condition. Last evaluated: 2019-05-09. Review status: no assertion criteria provided. Collection method: clinical testing. Allele origin: germline.
Comment: This variant is classified as likely benign based on ACMG/AMP sequence variant interpretation guidelines (Richards et al. 2015 PMID: 25741868, with internal and published modifications).

NM_001128164.2(ATXN1):c.1871C>T (p.Pro624Leu)

Gene: ATXN1 (ataxin 1; minus strand). Cytogenetic location: 6p22.3.
Variant type: single nucleotide variant.
Coding change: c.1871C>T on transcript NM_001128164.2 (MANE Select); coding-DNA position 1871, C replaced by T.
Protein change: p.Pro624Leu; replaces proline 624 with leucine.
Molecular consequence: missense variant. On other transcripts: 3 prime UTR variant (1).
Genome position (GRCh38, 1-based): chr6:16,326,440, G>A on the plus strand (C>T on the coding strand, the complement: ATXN1 is on the minus strand). VCF-style: chr6-16326440-G-A. GRCh37 (hg19) VCF-style: chr6-16326671-G-A.
Other names: c.1871C>T, p.Pro624Leu (NM_000332.4); c.*1284C>T (NM_001357857.2); short protein forms P624L.
Identifiers: ClinVar variation 3042386 (VCV003042386.2), dbSNP rs539283031, ClinGen allele CA3645250.